The following is an entry in ClinVar:

ClinVar aggregate classification (germline): Uncertain significance. Review status: criteria provided, multiple submitters, no conflicts (2 of 4 stars). 2 submissions from 2 submitters: Uncertain significance (2). Last evaluated 2025-11-26.

Conditions:
Cardiovascular phenotype. Identifiers: MedGen CN230736.
Brugada syndrome. Also called: Sudden unexplained nocturnal death syndrome; Sudden unexpected nocturnal death syndrome; Sudden Unexplained Death Syndrome; Sudden Unexplained Nocturnal Death Syndrome (SUNDS). Identifiers: Orphanet 130, MedGen C1142166, MONDO:0015263.

Allele frequency attached by ClinVar (database versions not stated): TOPMed below 0.00001.

Submissions (2):

Labcorp Genetics (formerly Invitae), Labcorp
Classification: Uncertain significance for Brugada syndrome. Last evaluated: 2025-11-26. Review status: criteria provided, single submitter. Criteria: Invitae Variant Classification Sherloc (09022015). Collection method: clinical testing. Allele origin: germline.
Comment: This sequence change replaces threonine, which is neutral and polar, with lysine, which is basic and polar, at codon 1081 of the SCN10A protein (p.Thr1081Lys). This variant is not present in population databases (gnomAD no frequency). This variant has not been reported in the literature in individuals affected with SCN10A-related conditions. ClinVar contains an entry for this variant (Variation ID: 3225647). Invitae Evidence Modeling of protein sequence and biophysical properties (such as structural, functional, and spatial information, amino acid conservation, physicochemical variation, residue mobility, and thermodynamic stability) indicates that this missense variant is not expected to disrupt SCN10A protein function with a negative predictive value of 95%. In summary, the available evidence is currently insufficient to determine the role of this variant in disease. Therefore, it has been classified as a Variant of Uncertain Significance.

Ambry Genetics
Classification: Uncertain significance for Cardiovascular phenotype. Last evaluated: 2023-12-29. Review status: criteria provided, single submitter. Criteria: Ambry Variant Classification Scheme 2023. Collection method: clinical testing. Allele origin: germline.
Comment: The p.T1081K variant (also known as c.3242C>A), located in coding exon 18 of the SCN10A gene, results from a C to A substitution at nucleotide position 3242. The threonine at codon 1081 is replaced by lysine, an amino acid with similar properties. This amino acid position is conserved. In addition, this alteration is predicted to be tolerated by in silico analysis. Since supporting evidence is limited at this time, the clinical significance of this alteration remains unclear.

NM_006514.4(SCN10A):c.3242C>A (p.Thr1081Lys)

Genes: SCN10A (sodium voltage-gated channel alpha subunit 10; minus strand), LOC110121288 (VISTA enhancer hs2268; plus strand). Cytogenetic location: 3p22.2.
Variant type: single nucleotide variant.
Coding change: c.3242C>A on transcript NM_006514.4 (MANE Select); coding-DNA position 3242, C replaced by A.
Protein change: p.Thr1081Lys; replaces threonine 1081 with lysine.
Molecular consequence: missense variant.
Genome position (GRCh38, 1-based): chr3:38,723,540, G>T on the plus strand (C>A on the coding strand, the complement: SCN10A is on the minus strand). VCF-style: chr3-38723540-G-T. GRCh37 (hg19) VCF-style: chr3-38765031-G-T.
Other names: c.3239C>A, p.Thr1080Lys (NM_001293306.2); c.2948C>A, p.Thr983Lys (NM_001293307.2); short protein forms T1080K, T1081K, T983K.
Identifiers: ClinVar variation 3225647 (VCV003225647.2), dbSNP rs757496015, ClinGen allele CA352156470.